The following is an entry in ClinVar:

NM_001261826.3(AP3D1):c.3644G>A (p.Cys1215Tyr)

Gene: AP3D1 (adaptor related protein complex 3 subunit delta 1; minus strand). Cytogenetic location: 19p13.3.
Variant type: single nucleotide variant.
Coding change: c.3644G>A on transcript NM_001261826.3 (MANE Select); coding-DNA position 3644, G replaced by A.
Protein change: p.Cys1215Tyr; replaces cysteine 1215 with tyrosine.
Molecular consequence: missense variant.
Genome position (GRCh38, 1-based): chr19:2,102,177, C>T on the plus strand (G>A on the coding strand, the complement: AP3D1 is on the minus strand). VCF-style: chr19-2102177-C-T. GRCh37 (hg19) VCF-style: chr19-2102176-C-T.
Other names: c.3608G>A, p.Cys1203Tyr (NM_001374799.1); c.3458G>A, p.Cys1153Tyr (NM_003938.8); short protein forms C1153Y, C1215Y, C1203Y.
Identifiers: ClinVar variation 3695015 (VCV003695015.2).

ClinVar aggregate classification (germline): Uncertain significance (1 of 4 stars; one submission).

Submission:

Labcorp Genetics (formerly Invitae), Labcorp
Classification: Uncertain significance. Last evaluated: 2024-08-21. Review status: criteria provided, single submitter. Criteria: Invitae Variant Classification Sherloc (09022015). Collection method: clinical testing. Allele origin: germline.
Comment: This sequence change replaces cysteine, which is neutral and slightly polar, with tyrosine, which is neutral and polar, at codon 1215 of the AP3D1 protein (p.Cys1215Tyr). This variant is not present in population databases (gnomAD no frequency). This variant has not been reported in the literature in individuals affected with AP3D1-related conditions. An algorithm developed to predict the effect of missense changes on protein structure and function (PolyPhen-2) suggests that this variant is likely to be disruptive. In summary, the available evidence is currently insufficient to determine the role of this variant in disease. Therefore, it has been classified as a Variant of Uncertain Significance.